The following is an entry in ClinVar:

NM_130837.3(OPA1):c.2051C>G (p.Ser684Ter)

Gene: OPA1 (OPA1 mitochondrial dynamin like GTPase; plus strand). Cytogenetic location: 3q29.
Variant type: single nucleotide variant.
Coding change: c.2051C>G on transcript NM_130837.3 (MANE Select); coding-DNA position 2051, C replaced by G.
Protein change: p.Ser684Ter; replaces serine 684 with a stop codon.
Molecular consequence: nonsense.
Genome position (GRCh38, 1-based): chr3:193,654,900, C>G. VCF-style: chr3-193654900-C-G. GRCh37 (hg19) VCF-style: chr3-193372689-C-G.
Other names: c.1517C>G, p.Ser506Ter (NM_001354663.2); c.1514C>G, p.Ser505Ter (NM_001354664.2); c.1886C>G, p.Ser629Ter (NM_015560.3); c.1778C>G, p.Ser593Ter (NM_130831.3); c.1832C>G, p.Ser611Ter (NM_130832.3); c.1889C>G, p.Ser630Ter (NM_130833.3); c.1940C>G, p.Ser647Ter (NM_130834.3); c.1943C>G, p.Ser648Ter (NM_130835.3); and 1 more; short protein forms S505*, S506*, S593*, S611*, S629*, S630*, S647*, S648*.
Identifiers: ClinVar variation 1691850 (VCV001691850.3), dbSNP rs2109138909, ClinGen allele CA355791051.

ClinVar aggregate classification (germline): Pathogenic/Likely pathogenic. Review status: criteria provided, single submitter (1 of 4 stars). 2 submissions from 1 submitter: Pathogenic (1); Likely pathogenic (1). Last evaluated 2022-05-11.

Conditions:
Autosomal dominant optic atrophy classic form (OPA1). Also called: Optic Atrophy Type 1; KJER-TYPE OPTIC ATROPHY; OPTIC ATROPHY, JUVENILE. Identifiers: Orphanet 98673, MedGen C0338508, MONDO:0008134, OMIM 165500.
Optic atrophy. Identifiers: MedGen C0029124, MONDO:0003608, HP:0000648.

Submissions (2):

Institute of Human Genetics, University of Leipzig Medical Center
Classification: Likely pathogenic for Optic atrophy. Last evaluated: 2022-05-11. Review status: criteria provided, single submitter. Criteria: ACMG Guidelines, 2015. Collection method: clinical testing. Allele origin: unknown. Affected: yes.
Comment: _x000D_ Criteria applied: PVS1, PM2_SUP

Institute of Human Genetics, University of Leipzig Medical Center
Classification: Pathogenic for Autosomal dominant optic atrophy classic form. Last evaluated: 2022-05-11. Review status: criteria provided, single submitter. Criteria: ACMG Guidelines, 2015. Collection method: clinical testing. Allele origin: unknown. Inheritance: Autosomal dominant inheritance. Affected: yes.
Comment: Criteria applied: PVS1,PS4_SUP,PM2_SUP